The following is an entry in ClinVar:

NM_004006.3(DMD):c.503C>G (p.Ala168Gly)

Gene: DMD (dystrophin; minus strand). Cytogenetic location: Xp21.1.
Variant type: single nucleotide variant.
Coding change: c.503C>G on transcript NM_004006.3 (MANE Select); coding-DNA position 503, C replaced by G.
Protein change: p.Ala168Gly; replaces alanine 168 with glycine.
Molecular consequence: missense variant.
Genome position (GRCh38, 1-based): chrX:32,816,495, G>C on the plus strand (C>G on the coding strand, the complement: DMD is on the minus strand). VCF-style: chrX-32816495-G-C. GRCh37 (hg19) VCF-style: chrX-32834612-G-C.
Other names: c.479C>G, p.Ala160Gly (NM_000109.4); c.491C>G, p.Ala164Gly (NM_004009.3); c.134C>G, p.Ala45Gly (NM_004010.3); short protein forms A160G, A164G, A168G, A45G.
Identifiers: ClinVar variation 4540412 (VCV004540412.1).

ClinVar aggregate classification (germline): Uncertain significance (1 of 4 stars; one submission).

Conditions:
Becker muscular dystrophy (BMD). Also called: MUSCULAR DYSTROPHY, PSEUDOHYPERTROPHIC PROGRESSIVE, BECKER TYPE; Becker Muscular Dystrophy (BMD). Identifiers: Orphanet 98895, MedGen C0917713, MONDO:0010311, OMIM 300376.

Submission:

MVZ Medizinische Genetik Mainz
Classification: Uncertain significance for Becker muscular dystrophy. Last evaluated: 2025-11-28. Review status: criteria provided, single submitter. Criteria: UK Practice Guidelines For Variant Classification V4 01 2020. Collection method: clinical testing. Allele origin: germline. Inheritance: X-linked dominant inheritance. Affected: yes. Observed: 1 variant allele.
Comment: ACMG Criteria: PP3_MOD,PM1_SUP,PM2_SUP,PM5_SUP